The following is an entry in ClinVar:

ClinVar aggregate classification (germline): Uncertain significance. Review status: criteria provided, multiple submitters, no conflicts (2 of 4 stars). 2 submissions from 2 submitters: Uncertain significance (2). Last evaluated 2026-08-04.

Conditions:
PCNT-related disorder. Also called: PCNT-related condition.
Microcephalic osteodysplastic primordial dwarfism type II (MOPD2). Also called: Microcephalic osteodysplastic primordial dwarfism with tooth abnormalities; MOPD II; OSTEODYSPLASTIC PRIMORDIAL DWARFISM, TYPE II. Identifiers: Orphanet 2637, MedGen C0432246, MONDO:0008872, OMIM 210720.

gnomAD v4.1: 12 of 1,613,792 alleles (0.00074%); highest among the groups gnomAD compares: Non-Finnish European, 0.001%; no homozygotes.

Submissions (2):

PreventionGenetics, part of Exact Sciences
Classification: Uncertain significance for PCNT-related condition. Last evaluated: 2026-08-04. Review status: criteria provided, single submitter. Criteria: ACMG Guidelines, 2015. Collection method: clinical testing. Allele origin: germline.
Comment: The PCNT c.5320G>C variant is predicted to result in the amino acid substitution p.Glu1774Gln. To our knowledge, this variant has not been reported in the literature or in a large population database (gnomAD), indicating this variant is rare. At this time, the clinical significance of this variant is uncertain due to the absence of conclusive functional and genetic evidence.

Illumina Laboratory Services, Illumina
Classification: Uncertain significance for Microcephalic osteodysplastic primordial dwarfism type II. Last evaluated: 2017-04-27. Review status: criteria provided, single submitter. Criteria: ICSL Variant Classification Criteria 13 December 2019. Collection method: clinical testing. Allele origin: germline.

NM_006031.6(PCNT):c.5320G>C (p.Glu1774Gln)

Gene: PCNT (pericentrin; plus strand). Cytogenetic location: 21q22.3.
Variant type: single nucleotide variant.
Coding change: c.5320G>C on transcript NM_006031.6 (MANE Select); coding-DNA position 5320, G replaced by C.
Protein change: p.Glu1774Gln; replaces glutamic acid 1774 with glutamine.
Molecular consequence: missense variant.
Genome position (GRCh38, 1-based): chr21:46,411,393, G>C. VCF-style: chr21-46411393-G-C. GRCh37 (hg19) VCF-style: chr21-47831307-G-C.
Other names: c.4966G>C, p.Glu1656Gln (NM_001315529.2); short protein forms E1774Q, E1656Q.
Identifiers: ClinVar variation 895624 (VCV000895624.5), dbSNP rs201709021, ClinGen allele CA410552850.